The following is an entry in ClinVar:

ClinVar aggregate classification (germline): Uncertain significance (1 of 4 stars; one submission).

Allele frequency attached by ClinVar (database versions not stated): TOPMed 0.00002.
gnomAD v4.1: 5 of 1,608,298 alleles (0.00031%); highest among the groups gnomAD compares: African/African-American, 0.0056%; no homozygotes.

Submission:

Quest Diagnostics Nichols Institute San Juan Capistrano
Classification: Uncertain significance. Last evaluated: 2023-06-28. Review status: criteria provided, single submitter. Criteria: Quest Diagnostics criteria. Collection method: clinical testing. Allele origin: unknown.
Comment: To the best of our knowledge, this variant has not been reported in the published literature. The frequency of this variant in the general population, 0.000004 (1/248746 chromosomes (Genome Aggregation Database)), is uninformative in the assessment of its pathogenicity. Based on the available information, we are unable to determine the clinical significance of this variant.

NM_000517.6(HBA2):c.*12G>C

Genes: HBA2 (hemoglobin subunit alpha 2; plus strand), LOC106804612 (hemoglobin subunit alpha 2 recombination region; plus strand). Cytogenetic location: 16p13.3.
Variant type: single nucleotide variant.
Coding change: c.*12G>C on transcript NM_000517.6 (MANE Select); 12 bases downstream of the stop codon, G replaced by C.
Molecular consequence: 3 prime UTR variant.
Genome position (GRCh38, 1-based): chr16:173,612, G>C. VCF-style: chr16-173612-G-C. GRCh37 (hg19) VCF-style: chr16-223611-G-C.
Identifiers: ClinVar variation 2681962 (VCV002681962.1), dbSNP rs1336978136, ClinGen allele CA620304379.
Genomic context (GRCh38, chr16:173,612, plus strand): 5'-CAAGTTCCTGGCTTCTGTGAGCACCGTGCTGACCTCCAAATACCGTTAAGCTGGAGCCTC[G>C]GTAGCCGTTCCTCCTGCCCGCTGGGCCTCCCAACGGGCCCTCCTCCCCTCCTTGCACCGG-3'